The following is an entry in ClinVar:

NM_018723.4(RBFOX1):c.157A>G (p.Thr53Ala)

Gene: RBFOX1 (RNA binding fox-1 homolog 1; plus strand). Cytogenetic location: 16p13.3.
Variant type: single nucleotide variant.
Coding change: c.157A>G on transcript NM_018723.4 (MANE Select); coding-DNA position 157, A replaced by G.
Protein change: p.Thr53Ala; replaces threonine 53 with alanine.
Molecular consequence: missense variant.
Genome position (GRCh38, 1-based): chr16:7,518,276, A>G. VCF-style: chr16-7518276-A-G. GRCh37 (hg19) VCF-style: chr16-7568278-A-G.
Other names: c.232A>G, p.Thr78Ala (NM_001415901.1, NM_001415903.1, NM_001415905.1 and 4 more transcripts); c.163A>G, p.Thr55Ala (NM_001415902.1, NM_001415911.1, NM_001415917.1); c.217A>G, p.Thr73Ala (NM_001415904.1, NM_001415906.1, NM_001415915.1 and 4 more transcripts); c.286A>G, p.Thr96Ala (NM_001415907.1, NM_001415908.1, NM_001415914.1 and 5 more transcripts); c.265A>G, p.Thr89Ala (NM_001415909.1, NM_001415910.1, NM_001415912.1 and 5 more transcripts); c.157A>G, p.Thr53Ala (NM_001415916.1, NM_001142333.2, NM_001142334.2 and 1 more transcripts); c.754A>G, p.Thr252Ala (NM_001415887.1, NM_001415888.1); short protein forms T96A, T252A, T53A, T55A, T89A, T73A, T78A.
Identifiers: ClinVar variation 3667120 (VCV003667120.2).
Genomic context (GRCh38, chr16:7,518,276, plus strand): 5'-CCGCAGAACGGTATCCCCGCGGAATACACGGCCCCTCATCCCCACCCCGCGCCAGAGTAC[A>G]CAGGCCAGACCACGGTTCCCGAGCACACATTAAACCTGTACCCTCCCGCCCAGACGCACT-3'
Protein context (NP_061193.2, residues 43-63): APHPHPAPEY[Thr53Ala]GQTTVPEHTL

ClinVar aggregate classification (germline): Uncertain significance (1 of 4 stars; one submission).

Conditions:
Idiopathic generalized epilepsy. Also called: Generalised epilepsy; EIG. Identifiers: MedGen C0270850, MONDO:0005579, OMIM 600669.

gnomAD v4.1: 1 of 1,614,112 alleles (0.000062%); highest among the groups gnomAD compares: Non-Finnish European, 0.000085%; no homozygotes.

Submission:

Labcorp Genetics (formerly Invitae), Labcorp
Classification: Uncertain significance for Idiopathic generalized epilepsy. Last evaluated: 2024-12-12. Review status: criteria provided, single submitter. Criteria: Invitae Variant Classification Sherloc (09022015). Collection method: clinical testing. Allele origin: germline.
Comment: This sequence change replaces threonine, which is neutral and polar, with alanine, which is neutral and non-polar, at codon 73 of the RBFOX1 protein (p.Thr73Ala). This variant is not present in population databases (gnomAD no frequency). This variant has not been reported in the literature in individuals affected with RBFOX1-related conditions. Invitae Evidence Modeling of protein sequence and biophysical properties (such as structural, functional, and spatial information, amino acid conservation, physicochemical variation, residue mobility, and thermodynamic stability) indicates that this missense variant is not expected to disrupt RBFOX1 protein function with a negative predictive value of 80%. In summary, the available evidence is currently insufficient to determine the role of this variant in disease. Therefore, it has been classified as a Variant of Uncertain Significance.